The following is an entry in ClinVar:

ClinVar aggregate classification (germline): Uncertain significance (1 of 4 stars; one submission).

Conditions:
Dilated cardiomyopathy 1KK (CMD1KK). Identifiers: Orphanet 154, Orphanet 75249, MedGen C3714995, MONDO:0014100, OMIM 615248.

Submission:

Labcorp Genetics (formerly Invitae), Labcorp
Classification: Uncertain significance for Dilated cardiomyopathy 1KK. Last evaluated: 2022-11-08. Review status: criteria provided, single submitter. Criteria: Invitae Variant Classification Sherloc (09022015). Collection method: clinical testing. Allele origin: germline.
Comment: In summary, the available evidence is currently insufficient to determine the role of this variant in disease. Therefore, it has been classified as a Variant of Uncertain Significance. Algorithms developed to predict the effect of missense changes on protein structure and function are either unavailable or do not agree on the potential impact of this missense change (SIFT: "Tolerated"; PolyPhen-2: "Possibly Damaging"; Align-GVGD: "Class C0"). This variant has not been reported in the literature in individuals affected with MYPN-related conditions. This variant is not present in population databases (gnomAD no frequency). This sequence change replaces phenylalanine, which is neutral and non-polar, with leucine, which is neutral and non-polar, at codon 454 of the MYPN protein (p.Phe454Leu).

NM_032578.4(MYPN):c.1362T>G (p.Phe454Leu)

Gene: MYPN (myopalladin; plus strand). Cytogenetic location: 10q21.3.
Variant type: single nucleotide variant.
Coding change: c.1362T>G on transcript NM_032578.4 (MANE Select); coding-DNA position 1362, T replaced by G.
Protein change: p.Phe454Leu; replaces phenylalanine 454 with leucine.
Molecular consequence: missense variant. On other transcripts: non-coding transcript variant (2).
Genome position (GRCh38, 1-based): chr10:68,158,530, T>G. VCF-style: chr10-68158530-T-G. GRCh37 (hg19) VCF-style: chr10-69918287-T-G.
Other names: c.1362T>G, p.Phe454Leu (NM_001256267.2); c.480T>G, p.Phe160Leu (NM_001256268.2); short protein forms F454L, F160L.
Identifiers: ClinVar variation 1998778 (VCV001998778.4), dbSNP rs764084251, ClinGen allele CA376834497.
Genomic context (GRCh38, chr10:68,158,530, plus strand): 5'-CTTCTTATCATTATAGATGCTACAAAATTTGTCAGCTTCTGAGGGTCAGCTGGTTGTCTT[T>G]GAATGCAGAGTAAAAGGAGCTCCATCTCCTAAGGTTGAGTGGTATAGAGAAGGGACTTTA-3'
Protein context (NP_115967.2, residues 444-464): LSASEGQLVV[Phe454Leu]ECRVKGAPSP